The following is an entry in ClinVar:

NM_020738.4(KIDINS220):c.2741C>T (p.Thr914Ile)

Gene: KIDINS220 (kinase D interacting substrate 220; minus strand). Cytogenetic location: 2p25.1.
Variant type: single nucleotide variant.
Coding change: c.2741C>T on transcript NM_020738.4 (MANE Select); coding-DNA position 2741, C replaced by T.
Protein change: p.Thr914Ile; replaces threonine 914 with isoleucine.
Molecular consequence: missense variant. On other transcripts: non-coding transcript variant (2).
Genome position (GRCh38, 1-based): chr2:8,776,855, G>A on the plus strand (C>T on the coding strand, the complement: KIDINS220 is on the minus strand). VCF-style: chr2-8776855-G-A. GRCh37 (hg19) VCF-style: chr2-8916985-G-A.
Other names: c.2744C>T, p.Thr915Ile (NM_001348729.2, NM_001348731.2, NM_001348734.2 and 3 more transcripts); c.2741C>T, p.Thr914Ile (NM_001348732.2, NM_001348735.2, NM_001348738.2 and 3 more transcripts); c.2615C>T, p.Thr872Ile (NM_001348736.2); short protein forms T914I, T872I, T915I.
Identifiers: ClinVar variation 1355575 (VCV001355575.6), dbSNP rs1444405120, ClinGen allele CA345759496.

ClinVar aggregate classification (germline): Uncertain significance (1 of 4 stars; one submission).

Allele frequency attached by ClinVar (database versions not stated): TOPMed below 0.00001; gnomAD 0.00001.
gnomAD v4.1: 1 of 1,613,916 alleles (0.000062%); no homozygotes.

Submission:

Labcorp Genetics (formerly Invitae), Labcorp
Classification: Uncertain significance. Last evaluated: 2022-11-22. Review status: criteria provided, single submitter. Criteria: Invitae Variant Classification Sherloc (09022015). Collection method: clinical testing. Allele origin: germline.
Comment: In summary, the available evidence is currently insufficient to determine the role of this variant in disease. Therefore, it has been classified as a Variant of Uncertain Significance. Algorithms developed to predict the effect of missense changes on protein structure and function are either unavailable or do not agree on the potential impact of this missense change (SIFT: "Deleterious"; PolyPhen-2: "Probably Damaging"; Align-GVGD: "Class C15"). ClinVar contains an entry for this variant (Variation ID: 1355575). This variant has not been reported in the literature in individuals affected with KIDINS220-related conditions. This variant is not present in population databases (gnomAD no frequency). This sequence change replaces threonine, which is neutral and polar, with isoleucine, which is neutral and non-polar, at codon 914 of the KIDINS220 protein (p.Thr914Ile).